The following is an entry in ClinVar:

ClinVar aggregate classification (germline): Uncertain significance (1 of 4 stars; one submission).

Submission:

Labcorp Genetics (formerly Invitae), Labcorp
Classification: Uncertain significance. Last evaluated: 2025-10-06. Review status: criteria provided, single submitter. Criteria: Invitae Variant Classification Sherloc (09022015). Collection method: clinical testing. Allele origin: germline.
Comment: This sequence change replaces serine, which is neutral and polar, with tyrosine, which is neutral and polar, at codon 26 of the GJB4 protein (p.Ser26Tyr). This variant is not present in population databases (gnomAD no frequency). This missense change has been observed in individual(s) with erythrokeratodermia variabilis (PMID: 31793497). It has also been observed to segregate with disease in related individuals. Invitae Evidence Modeling of protein sequence and biophysical properties (such as structural, functional, and spatial information, amino acid conservation, physicochemical variation, residue mobility, and thermodynamic stability) indicates that this missense variant is not expected to disrupt GJB4 protein function with a negative predictive value of 80%. In summary, the available evidence is currently insufficient to determine the role of this variant in disease. Therefore, it has been classified as a Variant of Uncertain Significance.

Literature cited by the submitters: PubMed 31793497.

NM_153212.3(GJB4):c.77C>A (p.Ser26Tyr)

Gene: GJB4 (gap junction protein beta 4; plus strand). Cytogenetic location: 1p34.3.
Variant type: single nucleotide variant.
Coding change: c.77C>A on transcript NM_153212.3 (MANE Select); coding-DNA position 77, C replaced by A.
Protein change: p.Ser26Tyr; replaces serine 26 with tyrosine.
Molecular consequence: missense variant.
Genome position (GRCh38, 1-based): chr1:34,761,331, C>A. VCF-style: chr1-34761331-C-A. GRCh37 (hg19) VCF-style: chr1-35226932-C-A.
Other names: short protein forms S26Y.
Identifiers: ClinVar variation 4694650 (VCV004694650.1).